The following is an entry in ClinVar:

NM_015047.3(EMC1):c.1889C>T (p.Pro630Leu)

Genes: EMC1 (ER membrane protein complex subunit 1; minus strand), EMC1-AS1 (EMC1 antisense RNA 1; plus strand). Cytogenetic location: 1p36.13.
Variant type: single nucleotide variant.
Coding change: c.1889C>T on transcript NM_015047.3 (MANE Select); coding-DNA position 1889, C replaced by T.
Protein change: p.Pro630Leu; replaces proline 630 with leucine.
Molecular consequence: missense variant.
Genome position (GRCh38, 1-based): chr1:19,231,316, G>A on the plus strand (C>T on the coding strand, the complement: EMC1 is on the minus strand). VCF-style: chr1-19231316-G-A. GRCh37 (hg19) VCF-style: chr1-19557810-G-A.
Other names: c.1886C>T, p.Pro629Leu (NM_001271427.2, NM_001271428.2); c.1823C>T, p.Pro608Leu (NM_001271429.2); c.1898C>T, p.Pro633Leu (NM_001375820.1); c.1895C>T, p.Pro632Leu (NM_001375821.1); short protein forms P633L, P632L, P630L, P608L, P629L.
Identifiers: ClinVar variation 2832252 (VCV002832252.3), dbSNP rs1196805417, ClinGen allele CA338759376.

ClinVar aggregate classification (germline): Uncertain significance (1 of 4 stars; one submission).

Allele frequency attached by ClinVar (database versions not stated): TOPMed below 0.00001.

Submission:

Labcorp Genetics (formerly Invitae), Labcorp
Classification: Uncertain significance. Last evaluated: 2023-01-26. Review status: criteria provided, single submitter. Criteria: Invitae Variant Classification Sherloc (09022015). Collection method: clinical testing. Allele origin: germline.
Comment: In summary, the available evidence is currently insufficient to determine the role of this variant in disease. Therefore, it has been classified as a Variant of Uncertain Significance. Advanced modeling of protein sequence and biophysical properties (such as structural, functional, and spatial information, amino acid conservation, physicochemical variation, residue mobility, and thermodynamic stability) performed at Invitae indicates that this missense variant is expected to disrupt EMC1 protein function. This variant has not been reported in the literature in individuals affected with EMC1-related conditions. This variant is not present in population databases (gnomAD no frequency). This sequence change replaces proline, which is neutral and non-polar, with leucine, which is neutral and non-polar, at codon 630 of the EMC1 protein (p.Pro630Leu).